The following is an entry in ClinVar:

NM_001369.3(DNAH5):c.5987_5998del (p.Cys1996_Lys1999del)

Gene: DNAH5 (dynein axonemal heavy chain 5; minus strand). Cytogenetic location: 5p15.2.
Variant type: Deletion.
Coding change: c.5987_5998del on transcript NM_001369.3 (MANE Select); coding-DNA positions 5987 to 5998, 12 bases deleted (GCCTCGGGAAAT).
Protein change: p.Cys1996_Lys1999del.
Molecular consequence: inframe deletion.
Genome position (GRCh38, 1-based): chr5:13,830,660-13,830,671, ATTTCCCGAGGC deleted on the plus strand (GCCTCGGGAAAT on the coding strand, the reverse complement: DNAH5 is on the minus strand); deleting any 12 consecutive bases within chr5:13,830,660-13,830,673 gives the same sequence; the c. name uses the placement nearest the transcript's 3' end. VCF-style (leftmost placement, unchanged base first): chr5-13830659-TATTTCCCGAGGC-T. GRCh37 (hg19) VCF-style: chr5-13830768-TATTTCCCGAGGC-T.
Other names: c.5987_5998del12 (NM_001369.2).
Identifiers: ClinVar variation 2097803 (VCV002097803.6), dbSNP rs2546881907, ClinGen allele CA2580072048.
Genomic context (GRCh38, chr5:13,830,659, plus strand): 5'-TTAAAAATCCGTCCAAGTCCTCGGAAATCCATCTGGTCTGAACAATTGAAAACCACGACG[TATTTCCCGAGGC>T]ATCGTCCCATGTCTTTAGTGGTTTCTGTTTTGCCTGTGCCTGCAGGTCCAGCAGGGGCTC-3'

ClinVar aggregate classification (germline): Pathogenic. Review status: criteria provided, single submitter (1 of 4 stars). 2 submissions from 2 submitters: Pathogenic (1). 1 of the submissions does not count toward it. Last evaluated 2022-02-15.

Conditions:
Primary ciliary dyskinesia. Also called: Ciliary dyskinesia. Identifiers: Orphanet 244, MedGen C0008780, MONDO:0016575, HP:0012265.
DNAH5-related disorder. Also called: DNAH5-related condition.

Submissions (2):

Labcorp Genetics (formerly Invitae), Labcorp
Classification: Pathogenic for Primary ciliary dyskinesia. Last evaluated: 2022-02-15. Review status: criteria provided, single submitter. Criteria: Invitae Variant Classification Sherloc (09022015). Collection method: clinical testing. Allele origin: germline.
Comment: This variant, c.5987_5998del, results in the deletion of 4 amino acid(s) of the DNAH5 protein (p.Cys1996_Lys1999del), but otherwise preserves the integrity of the reading frame. This variant is not present in population databases (gnomAD no frequency). For these reasons, this variant has been classified as Pathogenic. This variant disrupts a region of the DNAH5 protein in which other variant(s) (p.Gly1998Arg) have been determined to be pathogenic (PMID: 31638833; Invitae). This suggests that this is a clinically significant region of the protein, and that variants that disrupt it are likely to be disease-causing. This variant has not been reported in the literature in individuals affected with DNAH5-related conditions.

PreventionGenetics, part of Exact Sciences
Classification: Likely pathogenic for DNAH5-related condition. Last evaluated: 2024-03-26. Review status: no assertion criteria provided. Collection method: clinical testing. Allele origin: germline. Not counted in ClinVar's aggregate classification.
Comment: The DNAH5 c.5987_5998del12 variant is predicted to result in an in-frame deletion (p.Cys1996_Lys1999del). To our knowledge, this variant has not been reported in the literature or in a large population database, indicating this variant is rare. This variant is interpreted as likely pathogenic.

Literature cited by the submitters: PubMed 31638833 (cited by Labcorp Genetics (formerly Invitae), Labcorp).